The following is an entry in ClinVar:

ClinVar aggregate classification (germline): Conflicting classifications of pathogenicity. Review status: criteria provided, conflicting classifications (1 of 4 stars). 2 submissions from 2 submitters: Uncertain significance (1); Likely benign (1). Last evaluated 2026-02-04.

Conditions:
Hereditary cancer-predisposing syndrome. Also called: Hereditary neoplastic syndrome; Tumor predisposition; Hereditary Cancer Syndrome; Neoplastic Syndromes, Hereditary. Identifiers: Orphanet 140162, MedGen C0027672, MeSH D009386, MONDO:0015356.
Birt-Hogg-Dube syndrome. Also called: Birt Hogg Dubé syndrome. Identifiers: Orphanet 122, MedGen C0346010, MONDO:0800444.

Allele frequency attached by ClinVar (database versions not stated): TOPMed below 0.00001; gnomAD 0.00001; gnomAD exomes 0.00001; ExAC 0.00002.
gnomAD v4.1: 11 of 1,614,072 alleles (0.00068%); highest among the groups gnomAD compares: Non-Finnish European, 0.00068%; no homozygotes.

Submissions (2):

Labcorp Genetics (formerly Invitae), Labcorp
Classification: Uncertain significance for Birt-Hogg-Dube syndrome. Last evaluated: 2026-02-04. Review status: criteria provided, single submitter. Criteria: Invitae Variant Classification Sherloc (09022015). Collection method: clinical testing. Allele origin: germline.
Comment: This sequence change replaces cysteine, which is neutral and slightly polar, with serine, which is neutral and polar, at codon 503 of the FLCN protein (p.Cys503Ser). This variant is present in population databases (rs778904029, gnomAD 0.003%). This variant has not been reported in the literature in individuals affected with FLCN-related conditions. ClinVar contains an entry for this variant (Variation ID: 1426990). Invitae Evidence Modeling of protein sequence and biophysical properties (such as structural, functional, and spatial information, amino acid conservation, physicochemical variation, residue mobility, and thermodynamic stability) indicates that this missense variant is not expected to disrupt FLCN protein function with a negative predictive value of 80%. In summary, the available evidence is currently insufficient to determine the role of this variant in disease. Therefore, it has been classified as a Variant of Uncertain Significance.

Ambry Genetics
Classification: Likely benign for Hereditary cancer-predisposing syndrome. Last evaluated: 2022-03-31. Review status: criteria provided, single submitter. Criteria: Ambry Variant Classification Scheme 2023. Collection method: clinical testing. Allele origin: germline.

NM_144997.7(FLCN):c.1508G>C (p.Cys503Ser)

Gene: FLCN (folliculin; minus strand). Cytogenetic location: 17p11.2.
Variant type: single nucleotide variant.
Coding change: c.1508G>C on transcript NM_144997.7 (MANE Select); coding-DNA position 1508, G replaced by C.
Protein change: p.Cys503Ser; replaces cysteine 503 with serine.
Molecular consequence: missense variant.
Genome position (GRCh38, 1-based): chr17:17,215,015, C>G on the plus strand (G>C on the coding strand, the complement: FLCN is on the minus strand). VCF-style: chr17-17215015-C-G. GRCh37 (hg19) VCF-style: chr17-17118329-C-G.
Other names: c.1562G>C, p.Cys521Ser (NM_001353229.2); c.1508G>C, p.Cys503Ser (NM_001353230.2, NM_001353231.2); short protein forms C503S, C521S.
Identifiers: ClinVar variation 1426990 (VCV001426990.10), dbSNP rs778904029, ClinGen allele CA8415954.